The following is an entry in ClinVar:

ClinVar aggregate classification (germline): Uncertain significance (1 of 4 stars; one submission).

Conditions:
Cardiovascular phenotype. Identifiers: MedGen CN230736.

Submission:

Ambry Genetics
Classification: Uncertain significance for Cardiovascular phenotype. Last evaluated: 2025-07-09. Review status: criteria provided, single submitter. Criteria: Ambry Variant Classification Scheme 2023. Collection method: clinical testing. Allele origin: germline.
Comment: The p.Y470F variant (also known as c.1409A>T), located in coding exon 4 of the RBM20 gene, results from an A to T substitution at nucleotide position 1409. The tyrosine at codon 470 is replaced by phenylalanine, an amino acid with highly similar properties. This amino acid position is conserved. In addition, this alteration is predicted to be tolerated by in silico analysis. Based on the available evidence, the clinical significance of this variant remains unclear.

NM_001134363.3(RBM20):c.1409A>T (p.Tyr470Phe)

Gene: RBM20 (RNA binding motif protein 20; plus strand). Cytogenetic location: 10q25.2.
Variant type: single nucleotide variant.
Coding change: c.1409A>T on transcript NM_001134363.3 (MANE Select); coding-DNA position 1409, A replaced by T.
Protein change: p.Tyr470Phe; replaces tyrosine 470 with phenylalanine.
Molecular consequence: missense variant.
Genome position (GRCh38, 1-based): chr10:110,784,412, A>T. VCF-style: chr10-110784412-A-T. GRCh37 (hg19) VCF-style: chr10-112544170-A-T.
Other names: short protein forms Y470F.
Identifiers: ClinVar variation 4151590 (VCV004151590.1).